The following is an entry in ClinVar:

ClinVar aggregate classification (germline): Pathogenic (1 of 4 stars; one submission).

Conditions:
Neurofibromatosis, type 1 (NF1). Also called: Peripheral type neurofibromatosis; Neurofibromatosis, type I; VON RECKLINGHAUSEN DISEASE; NEUROFIBROMATOSIS, TYPE I, SOMATIC. Identifiers: Orphanet 636, MedGen C0027831, MONDO:0018975, OMIM 162200. Disease mechanism: loss of function.

Submission:

Labcorp Genetics (formerly Invitae), Labcorp
Classification: Pathogenic for Neurofibromatosis, type 1. Last evaluated: 2019-08-14. Review status: criteria provided, single submitter. Criteria: Invitae Variant Classification Sherloc (09022015). Collection method: clinical testing. Allele origin: germline.
Comment: This sequence change creates a premature translational stop signal (p.Asn293Thrfs*2) in the NF1 gene. It is expected to result in an absent or disrupted protein product. This variant is not present in population databases (ExAC no frequency). This variant has been observed in individual(s) affected with neurofibromatosis type 1 (PMID: 12807981). Loss-of-function variants in NF1 are known to be pathogenic (PMID: 10712197, 23913538). For these reasons, this variant has been classified as Pathogenic.

Literature cited by the submitters: PubMed 12807981; PubMed 10712197; PubMed 23913538.

NM_001042492.3(NF1):c.878del (p.Asn293fs)

Gene: NF1 (neurofibromin 1; plus strand). Cytogenetic location: 17q11.2.
Variant type: Deletion.
Coding change: c.878del on transcript NM_001042492.3 (MANE Select); coding-DNA position 878, one base deleted (A; older notation c.878delA).
Protein change: p.Asn293fs; shifts the reading frame from asparagine 293.
Molecular consequence: frameshift variant.
Genome position (GRCh38, 1-based): chr17:31,182,655, A deleted; the last of 2 consecutive A bases (chr17:31,182,654-31,182,655); deleting either gives the same sequence. VCF-style (leftmost placement, unchanged base first): chr17-31182653-CA-C. GRCh37 (hg19) VCF-style: chr17-29509671-CA-C.
Other names: c.878delA, p.Asn293Thrfs (NM_000267.4); c.878del, p.Asn293fs (NM_001128147.3); short protein forms N293fs.
Identifiers: ClinVar variation 944420 (VCV000944420.6), dbSNP rs2066159719, ClinGen allele CA1139665364.